The following is an entry in ClinVar:

NM_001128425.2(MUTYH):c.22C>T (p.Leu8=)

Genes: MUTYH (mutY DNA glycosylase; minus strand), TOE1 (target of EGR1, exonuclease; plus strand). Cytogenetic location: 1p34.1.
Variant type: single nucleotide variant.
Coding change: c.22C>T on transcript NM_001128425.2 (MANE Plus Clinical); coding-DNA position 22, C replaced by T.
Protein change: p.Leu8=; no amino-acid change (leucine 8 retained).
Molecular consequence: synonymous variant. On other transcripts: 5 prime UTR variant (8), non-coding transcript variant (3).
Genome position (GRCh38, 1-based): chr1:45,340,233, G>A on the plus strand (C>T on the coding strand, the complement: MUTYH is on the minus strand). VCF-style: chr1-45340233-G-A. GRCh37 (hg19) VCF-style: chr1-45805905-G-A.
Other names: c.-20G>A (NM_025077.4); c.-21C>T (NM_001048171.2); c.22C>T, p.Leu8= (NM_001293190.2, NM_001407069.1, NM_001407073.1 and 1 more transcripts); c.-233C>T (NM_001293192.2); c.-292C>T (NM_001350650.2); c.-228C>T (NM_001350651.2); c.-37C>T (NM_001407070.1, NM_001407071.1); c.-17C>T (NM_001407072.1).
Identifiers: ClinVar variation 414151 (VCV000414151.21), dbSNP rs753502884, ClinGen allele CA089466.

ClinVar aggregate classification (germline): Likely benign. Review status: criteria provided, multiple submitters, no conflicts (2 of 4 stars). 8 submissions from 8 submitters: Likely benign (7). 1 of the submissions does not count toward it. Last evaluated 2026-01-12.

Conditions:
MUTYH-related disorder. Also called: MUTYH-related condition; MUTYH-related disorders.
Hereditary cancer-predisposing syndrome. Also called: Neoplastic Syndromes, Hereditary; Hereditary Cancer Syndrome; Tumor predisposition; Hereditary neoplastic syndrome. Identifiers: Orphanet 140162, MedGen C0027672, MeSH D009386, MONDO:0015356.
Familial adenomatous polyposis 2. Also called: FAP type 2; COLORECTAL ADENOMATOUS POLYPOSIS, AUTOSOMAL RECESSIVE; MYH-associated polyposis; MUTYH-associated polyposis; Adenomas, multiple colorectal; ADENOMAS, MULTIPLE COLORECTAL, AUTOSOMAL RECESSIVE. Identifiers: Orphanet 220460, Orphanet 247798, MedGen C3272841, MONDO:0012041, OMIM 608456.

Allele frequency attached by ClinVar (database versions not stated): TOPMed 0.00002.
gnomAD v4.1: 4 of 1,613,852 alleles (0.00025%); highest among the groups gnomAD compares: East Asian, 0.0022%; no homozygotes.

Submissions (8):

Labcorp Genetics (formerly Invitae), Labcorp
Classification: Likely benign for Familial adenomatous polyposis 2. Last evaluated: 2026-01-12. Review status: criteria provided, single submitter. Criteria: Invitae Variant Classification Sherloc (09022015). Collection method: clinical testing. Allele origin: germline.

Quest Diagnostics Nichols Institute San Juan Capistrano
Classification: Likely benign. Last evaluated: 2025-07-15. Review status: criteria provided, single submitter. Criteria: Quest Diagnostics criteria. Collection method: clinical testing. Allele origin: unknown.

All of Us Research Program, National Institutes of Health
Classification: Likely benign for Familial adenomatous polyposis 2. Last evaluated: 2023-11-30. Review status: criteria provided, single submitter. Criteria: ACMG Guidelines, 2015. Collection method: clinical testing. Allele origin: germline. Inheritance: Autosomal recessive inheritance. Observed: 7 variant alleles, 7 heterozygotes.
Comment: This study involves interpretation of variants in research participants for the purpose of population health screening. Participant phenotype was not available at the time of variant classification. Additional details can be found in publication PMID: 35346344, PMCID: PMC8962531

Sema4
Classification: Likely benign for Hereditary cancer-predisposing syndrome. Last evaluated: 2021-06-23. Review status: criteria provided, single submitter. Criteria: Sema4 Curation Guidelines. Collection method: curation. Allele origin: germline.

GeneDx
Classification: Likely benign. Last evaluated: 2017-03-29. Review status: criteria provided, single submitter. Criteria: GeneDx Variant Classification (06012015). Collection method: clinical testing. Allele origin: germline. Affected: yes.
Comment: This variant is considered likely benign or benign based on one or more of the following criteria: it is a conservative change, it occurs at a poorly conserved position in the protein, it is predicted to be benign by multiple in silico algorithms, and/or has population frequency not consistent with disease.

Color Diagnostics, LLC DBA Color Health
Classification: Likely benign for Hereditary cancer-predisposing syndrome. Last evaluated: 2016-05-03. Review status: criteria provided, single submitter. Criteria: ACMG Guidelines, 2015. Collection method: clinical testing. Allele origin: germline.

Ambry Genetics
Classification: Likely benign for Hereditary cancer-predisposing syndrome. Last evaluated: 2016-01-19. Review status: criteria provided, single submitter. Criteria: Ambry Variant Classification Scheme 2023. Collection method: clinical testing. Allele origin: germline.

PreventionGenetics, part of Exact Sciences
Classification: Likely benign for MUTYH-related condition. Last evaluated: 2021-10-18. Review status: no assertion criteria provided. Collection method: clinical testing. Allele origin: germline. Not counted in ClinVar's aggregate classification.
Comment: This variant is classified as likely benign based on ACMG/AMP sequence variant interpretation guidelines (Richards et al. 2015 PMID: 25741868, with internal and published modifications).